The following is an entry in ClinVar:

ClinVar aggregate classification (germline): Likely pathogenic (1 of 4 stars; one submission).

Conditions:
Senior-Loken syndrome 4 (SLSN4). Identifiers: Orphanet 3156, MedGen C1846979, MONDO:0011756, OMIM 606996.
Nephronophthisis 4 (NPHP4). Also called: NEPHRONOPHTHISIS 4, JUVENILE. Identifiers: Orphanet 655, MedGen C1847013, MONDO:0011752, OMIM 606966.

Submission:

Juno Genomics, Hangzhou Juno Genomics, Inc
Classification: Likely pathogenic for Nephronophthisis 4; Senior-Loken syndrome 4. Review status: criteria provided, single submitter. Criteria: ACMG Guidelines, 2015. Collection method: clinical testing. Allele origin: germline.
Comment: Null variant in a gene where loss of function (LOF) is a known mechanism of disease.;Absent from controls (or at extremely low frequency if recessive) in Genome Aggregation Database.

NM_015102.5(NPHP4):c.1069del (p.Ile357fs)

Gene: NPHP4 (nephrocystin 4; minus strand). Cytogenetic location: 1p36.31.
Variant type: Deletion.
Coding change: c.1069del on transcript NM_015102.5 (MANE Select); coding-DNA position 1069, one base deleted (A; older notation c.1069delA).
Protein change: p.Ile357fs; shifts the reading frame from isoleucine 357.
Molecular consequence: frameshift variant. On other transcripts: 5 prime UTR variant (2), non-coding transcript variant (1).
Genome position (GRCh38, 1-based): chr1:5,947,154, T deleted on the plus strand (A on the coding strand, the reverse complement: NPHP4 is on the minus strand). VCF-style (leftmost placement, unchanged base first): chr1-5947153-AT-A. GRCh37 (hg19) VCF-style: chr1-6007213-AT-A.
Other names: c.-298del (NM_001291593.2, NM_001291594.2); short protein forms I357fs.
Identifiers: ClinVar variation 5006906 (VCV005006906.2).